The following is an entry in ClinVar:

NM_022124.6(CDH23):c.5337G>A (p.Val1779=)

Gene: CDH23 (cadherin related 23; plus strand). Cytogenetic location: 10q22.1.
Variant type: single nucleotide variant.
Coding change: c.5337G>A on transcript NM_022124.6 (MANE Select); coding-DNA position 5337, G replaced by A.
Protein change: p.Val1779=; no amino-acid change (valine 1779 retained).
Molecular consequence: synonymous variant.
Genome position (GRCh38, 1-based): chr10:71,779,416, G>A. VCF-style: chr10-71779416-G-A. GRCh37 (hg19) VCF-style: chr10-73539173-G-A.
Identifiers: ClinVar variation 735621 (VCV000735621.8), dbSNP rs1589416996, ClinGen allele CA470060477.

ClinVar aggregate classification (germline): Conflicting classifications of pathogenicity. Review status: criteria provided, conflicting classifications (1 of 4 stars). 2 submissions from 2 submitters: Uncertain significance (1); Likely benign (1). Last evaluated 2026-04-23.

Conditions:
CDH23-related disorder. Also called: CDH23-related disorders; CDH23-related condition.

Allele frequency attached by ClinVar (database versions not stated): gnomAD exomes 0.00001.
gnomAD v4.1: 8 of 1,612,494 alleles (0.0005%); highest among the groups gnomAD compares: Non-Finnish European, 0.00068%; no homozygotes.

Submissions (2):

PreventionGenetics, part of Exact Sciences
Classification: Uncertain significance for CDH23-related condition. Last evaluated: 2026-04-23. Review status: criteria provided, single submitter. Criteria: ACMG Guidelines, 2015. Collection method: clinical testing. Allele origin: germline.
Comment: The CDH23 c.5337G>A variant is not predicted to result in an amino acid change (p.=). This variant is predicted to impact splicing based on splicing prediction programs (SpliceAI, Jaganathan et al. 2019. PubMed ID: 30661751). However, the use of computer prediction programs is not equivalent to functional evidence. To our knowledge, this variant has not been reported in the literature or in a large population database (gnomAD), indicating this variant is rare. At this time, the clinical significance of this variant is uncertain due to the absence of conclusive functional and genetic evidence.

Labcorp Genetics (formerly Invitae), Labcorp
Classification: Likely benign. Last evaluated: 2022-10-13. Review status: criteria provided, single submitter. Criteria: Invitae Variant Classification Sherloc (09022015). Collection method: clinical testing. Allele origin: germline.